The following is an entry in ClinVar:

ClinVar aggregate classification (germline): Likely benign (1 of 4 stars; one submission).

Conditions:
ARL6-related disorder. Also called: ARL6-related condition.

Submission:

PreventionGenetics, part of Exact Sciences
Classification: Likely benign for ARL6-related condition. Last evaluated: 2025-02-01. Review status: criteria provided, single submitter. Criteria: ACMG Guidelines, 2015. Collection method: clinical testing. Allele origin: germline.
Comment: This variant is classified as likely benign based on ACMG/AMP sequence variant interpretation guidelines (Richards et al. 2015 PMID: 25741868, with internal and published modifications).

NM_001278293.3(ARL6):c.*9dup

Gene: ARL6 (ARF like GTPase 6; plus strand). Cytogenetic location: 3q11.2.
Variant type: Duplication.
Coding change: c.*9dup on transcript NM_001278293.3 (MANE Select); 9 bases downstream of the stop codon, one base duplicated (T; older notation c.*9dupT).
Molecular consequence: 3 prime UTR variant. On other transcripts: non-coding transcript variant (7).
Genome position (GRCh38, 1-based): chr3:97,798,058, T duplicated. VCF-style (leftmost placement, unchanged base first): chr3-97798057-A-AT. GRCh37 (hg19) VCF-style: chr3-97516901-A-AT.
Other names: c.*1dup (NM_001323513.2); c.*34dup (NM_001323514.2); c.*9dup (NM_032146.5, NM_177976.3); c.*9dupT (NM_032146.5).
Identifiers: ClinVar variation 5000931 (VCV005000931.1).
Genomic context (GRCh38, chr3:97,798,057, plus strand): 5'-TAATTTTTGTTTGTTTTTTGTTATCAGATCAGATCCAGACTGTGAAGACATGAAAAGATA[A>AT]TAGTTGGAAACCTCAGCAATTTTCAATTCAAGGAATCTATCTAAGACAAATAGAATACAT-3'